The following is an entry in ClinVar:

ClinVar aggregate classification (germline): Benign. Review status: criteria provided, multiple submitters, no conflicts (2 of 4 stars). 2 submissions from 2 submitters: Benign (2). Last evaluated 2026-01-27.

Submissions (6):

Labcorp Genetics (formerly Invitae), Labcorp
Classification: Benign. Last evaluated: 2026-01-27. Review status: criteria provided, single submitter. Criteria: Invitae Variant Classification Sherloc (09022015). Collection method: clinical testing. Allele origin: germline.

GeneDx
Classification: Benign. Last evaluated: 2018-06-14. Review status: criteria provided, single submitter. Criteria: GeneDx Variant Classification (06012015). Collection method: clinical testing. Allele origin: germline. Affected: yes.
Comment: This variant is considered likely benign or benign based on one or more of the following criteria: it is a conservative change, it occurs at a poorly conserved position in the protein, it is predicted to be benign by multiple in silico algorithms, and/or has population frequency not consistent with disease.

Dr. Peter K. Rogan Lab, Western University
No classification provided (evidence only). Condition: Familial cancer of breast. Review status: no classification provided. Collection method: in vitro. Allele origin: not applicable. Functional consequence: retained intron. Not counted in ClinVar's aggregate classification.

Dr. Peter K. Rogan Lab, Western University
No classification provided (evidence only). Condition: Clear cell carcinoma of kidney. Review status: no classification provided. Collection method: in vitro. Allele origin: not applicable. Functional consequence: retained intron. Not counted in ClinVar's aggregate classification.

Dr. Peter K. Rogan Lab, Western University
No classification provided (evidence only). Condition: Clear cell carcinoma of kidney. Review status: no classification provided. Collection method: in vitro. Allele origin: not applicable. Functional consequence: retained intron. Not counted in ClinVar's aggregate classification.

Dr. Peter K. Rogan Lab, Western University
No classification provided (evidence only). Condition: Gastric cancer. Review status: no classification provided. Collection method: in vitro. Allele origin: not applicable. Functional consequence: retained intron. Not counted in ClinVar's aggregate classification.

NM_001135146.2(SLC39A8):c.1049-17TCT[4]

Genes: SLC39A8 (solute carrier family 39 member 8; minus strand), LOC126807125 (MED14-independent group 3 enhancer GRCh37_chr4:103188587-103189786; plus strand). Cytogenetic location: 4q24.
Variant type: Microsatellite.
Coding change: c.1049-17TCT[4] on transcript NM_001135146.2 (MANE Select); four copies in a row of the 3-base unit TCT starting at c.1049-17; the reference has five copies in a row; one copy, 3 bases deleted.
Molecular consequence: intron variant.
Genome position (GRCh38, 1-based): chr4:102,267,677-102,267,679, AGA deleted on the plus strand (TCT on the coding strand, the reverse complement: SLC39A8 is on the minus strand); deleting any 3 consecutive bases within chr4:102,267,677-102,267,692 gives the same sequence; the position shown is the placement nearest the transcript's 3' end. VCF-style (leftmost placement, unchanged base first): chr4-102267676-TAGA-T. GRCh37 (hg19) VCF-style: chr4-103188833-TAGA-T.
Other names: NC_000004.11:g.103188847_103188849del; c.1049-5_1049-3delTCT (NM_022154.5); c.1049-17TCT[4] (NM_001135147.1, NM_022154.5); c.848-17TCT[4] (NM_001135148.2); c.1049-18_1049-16del (NM_001135146.2).
Identifiers: ClinVar variation 672166 (VCV000672166.10), dbSNP rs71813938, ClinGen allele CA3025514.
Genomic context (GRCh38, chr4:102,267,676, plus strand): 5'-GTTGAATAGCAAGGCTTGTCGAGTGCTCATCCCTGCATTGAGTAGGATCACAAAGTCTCC[TAGA>T]AGAAGAAGAAGAAAATATCAAGTGAATAGTTTTTTTTTTATTTCTGGATGATATCAAAGA-3'